The following is an entry in ClinVar:

Conditions:
Long QT syndrome 5 (LQT5). Identifiers: Orphanet 101016, Orphanet 768, MedGen C1867904, MONDO:0013372, OMIM 613695.

Submission:

Roden Lab, Vanderbilt University Medical Center
No classification provided (evidence only). Condition: Long QT syndrome 5. Review status: no classification provided. Collection method: in vitro. Allele origin: not applicable. Functional consequence: Effect on ion channel function.
ClinVar note: "not provided" was previously submitted as the classification for the variant. However, the classification appeared to be based only on an observation of functional data so it was converted to no classification on 2025-07-30.

NM_000219.6(KCNE1):c.238G>T (p.Val80Phe)

Gene: KCNE1 (potassium voltage-gated channel subfamily E regulatory subunit 1; minus strand). Cytogenetic location: 21q22.12.
Variant type: single nucleotide variant.
Coding change: c.238G>T on transcript NM_000219.6 (MANE Select); coding-DNA position 238, G replaced by T.
Protein change: p.Val80Phe; replaces valine 80 with phenylalanine.
Molecular consequence: missense variant.
Genome position (GRCh38, 1-based): chr21:34,449,397, C>A on the plus strand (G>T on the coding strand, the complement: KCNE1 is on the minus strand). VCF-style: chr21-34449397-C-A. GRCh37 (hg19) VCF-style: chr21-35821695-C-A.
Other names: c.238G>T, p.Val80Phe (NM_001127668.4, NM_001127669.4, NM_001127670.4 and 4 more transcripts); short protein forms V80F.
Identifiers: ClinVar variation 3374407 (VCV003374407.2).